The following is an entry in ClinVar:

ClinVar aggregate classification (germline): Likely benign (1 of 4 stars; one submission).

Allele frequency attached by ClinVar (database versions not stated): ExAC 0.00086; 1000 Genomes Project 30x 0.00219; 1000 Genomes Project 0.00220; gnomAD 0.00289; ESP Exome Variant Server 0.00315; TOPMed 0.00317.
gnomAD v4.1: 887 of 1,614,214 alleles (0.055%); highest among the groups gnomAD compares: African/African-American, 0.97%; 4 homozygotes.

Submission:

CeGaT Center for Human Genetics Tuebingen
Classification: Likely benign. Last evaluated: 2022-09-01. Review status: criteria provided, single submitter. Criteria: CeGaT Center For Human Genetics Tuebingen Variant Classification Criteria Version 2. Collection method: clinical testing. Allele origin: germline. Affected: yes. Observed: 2 variant alleles.
Comment: FBLN7: BP4, BP7

NM_153214.3(FBLN7):c.1278C>T (p.His426=)

Gene: FBLN7 (fibulin 7; plus strand). Cytogenetic location: 2q13.
Variant type: single nucleotide variant.
Coding change: c.1278C>T on transcript NM_153214.3 (MANE Select); coding-DNA position 1278, C replaced by T.
Protein change: p.His426=; no amino-acid change (histidine 426 retained).
Molecular consequence: synonymous variant.
Genome position (GRCh38, 1-based): chr2:112,187,464, C>T. VCF-style: chr2-112187464-C-T. GRCh37 (hg19) VCF-style: chr2-112945041-C-T.
Other names: c.1140C>T, p.His380= (NM_001128165.2).
Identifiers: ClinVar variation 2651272 (VCV002651272.24), dbSNP rs140094535, ClinGen allele CA1833060.
Genomic context (GRCh38, chr2:112,187,464, plus strand): 5'-GACGCTGGAGGTGGACGTCGACATGTCGGAATACCTGGACCGCTCCTTCCAGGCCAACCA[C>T]GTGTCCAAGGTCACCATCTTTGTATCCCCCTATGACTTCTGAGGGTACACAGGGGCACTG-3'
Protein context (NP_694946.2, residues 416-436): EYLDRSFQAN[His426=]VSKVTIFVSP